The following is an entry in ClinVar:

ClinVar aggregate classification (germline): Uncertain significance (0 of 4 stars; one submission).

Conditions:
Prostate cancer. Also called: Malignant tumor of prostate. Identifiers: Orphanet 1331, MedGen C0376358, MONDO:0008315, HP:0012125.

Submission:

Science for Life laboratory,  Karolinska Institutet
Classification: Uncertain significance for Malignant tumor of prostate. Review status: no assertion criteria provided. Collection method: not provided. Allele origin: somatic.
Comment: TumorID:SWE-92C
ClinVar note: Converted during submission from Unknown to Uncertain significance.

NM_001143938.3(ZNF534):c.13C>A (p.Gln5Lys)

Gene: ZNF534 (zinc finger protein 534; plus strand). Cytogenetic location: 19q13.41.
Variant type: single nucleotide variant.
Coding change: c.13C>A on transcript NM_001143938.3 (MANE Select); coding-DNA position 13, C replaced by A.
Protein change: p.Gln5Lys; replaces glutamine 5 with lysine.
Molecular consequence: missense variant. On other transcripts: nonsense (1).
Genome position (GRCh38, 1-based): chr19:52,431,487, C>A. VCF-style: chr19-52431487-C-A. GRCh37 (hg19) VCF-style: chr19-52934740-C-A.
Other names: c.13C>A, p.Gln5Lys (NM_001143939.3, NM_001291368.4, NM_001291369.4); c.56C>A, p.Ser19Ter (NM_001351679.2); short protein forms Q5K, S19*.
Identifiers: ClinVar variation 161531 (VCV000161531.2), dbSNP rs193921143, ClinGen allele CA174276.